The following is an entry in ClinVar:

ClinVar aggregate classification (germline): Likely benign. Review status: criteria provided, single submitter (1 of 4 stars). 2 submissions from 2 submitters: Likely benign (1). 1 of the submissions does not count toward it. Last evaluated 2024-09-01.

Conditions:
MN1-related disorder. Also called: MN1-related condition.

Allele frequency attached by ClinVar (database versions not stated): 1000 Genomes Project 30x 0.00031; ESP Exome Variant Server 0.00050; TOPMed 0.00067; gnomAD 0.00078; gnomAD exomes 0.00134; ExAC 0.00194.
gnomAD v4.1: 1,941 of 1,522,470 alleles (0.13%); highest among the groups gnomAD compares: Non-Finnish European, 0.15%; 2 homozygotes.

Submissions (2):

CeGaT Center for Human Genetics Tuebingen
Classification: Likely benign. Last evaluated: 2024-09-01. Review status: criteria provided, single submitter. Criteria: CeGaT Center For Human Genetics Tuebingen Variant Classification Criteria Version 2. Collection method: clinical testing. Allele origin: germline. Affected: yes. Observed: 1 variant allele.
Comment: MN1: BS1

PreventionGenetics, part of Exact Sciences
Classification: Likely benign for MN1-related condition. Last evaluated: 2022-10-04. Review status: no assertion criteria provided. Collection method: clinical testing. Allele origin: germline. Not counted in ClinVar's aggregate classification.
Comment: This variant is classified as likely benign based on ACMG/AMP sequence variant interpretation guidelines (Richards et al. 2015 PMID: 25741868, with internal and published modifications).

NM_002430.3(MN1):c.2015C>T (p.Ser672Leu)

Gene: MN1 (MN1 proto-oncogene, transcriptional regulator; minus strand). Cytogenetic location: 22q12.1.
Variant type: single nucleotide variant.
Coding change: c.2015C>T on transcript NM_002430.3 (MANE Select); coding-DNA position 2015, C replaced by T.
Protein change: p.Ser672Leu; replaces serine 672 with leucine.
Molecular consequence: missense variant.
Genome position (GRCh38, 1-based): chr22:27,798,529, G>A on the plus strand (C>T on the coding strand, the complement: MN1 is on the minus strand). VCF-style: chr22-27798529-G-A. GRCh37 (hg19) VCF-style: chr22-28194517-G-A.
Other names: short protein forms S672L.
Identifiers: ClinVar variation 3039047 (VCV003039047.16), dbSNP rs200288788, ClinGen allele CA10166302.